The following is an entry in ClinVar:

ClinVar aggregate classification (germline): Likely pathogenic (1 of 4 stars; one submission).

Conditions:
Developmental and epileptic encephalopathy, 56. Also called: EPILEPTIC ENCEPHALOPATHY, EARLY INFANTILE, 56. Identifiers: MedGen C4540034, MONDO:0033365, OMIM 617665.

Submission:

Institute of Human Genetics, University of Leipzig Medical Center
Classification: Likely pathogenic for Developmental and epileptic encephalopathy, 56. Last evaluated: 2024-07-24. Review status: criteria provided, single submitter. Criteria: ACMG Guidelines, 2015. Collection method: clinical testing. Allele origin: unknown. Inheritance: Autosomal dominant inheritance. Affected: yes.
Comment: Criteria applied: PS2,PS4_MOD,PM2

NM_012479.4(YWHAG):c.532A>G (p.Asn178Asp)

Gene: YWHAG (tyrosine 3-monooxygenase/tryptophan 5-monooxygenase activation protein gamma; minus strand). Cytogenetic location: 7q11.23.
Variant type: single nucleotide variant.
Coding change: c.532A>G on transcript NM_012479.4 (MANE Select); coding-DNA position 532, A replaced by G.
Protein change: p.Asn178Asp; replaces asparagine 178 with aspartic acid.
Molecular consequence: missense variant.
Genome position (GRCh38, 1-based): chr7:76,329,789, T>C on the plus strand (A>G on the coding strand, the complement: YWHAG is on the minus strand). VCF-style: chr7-76329789-T-C. GRCh37 (hg19) VCF-style: chr7-75959106-T-C.
Other names: short protein forms N178D.
Identifiers: ClinVar variation 3359022 (VCV003359022.2).